The following is an entry in ClinVar:

NM_001387274.1(DCDC1):c.754+9G>T

Genes: DCDC1 (doublecortin domain containing 1; minus strand), LOC126861175 (CDK7 strongly-dependent group 2 enhancer GRCh37_chr11:31326823-31328022; plus strand). Cytogenetic location: 11p13.
Variant type: single nucleotide variant.
Coding change: c.754+9G>T on transcript NM_001387274.1 (MANE Select); 9 bases into the intron after coding-DNA position 754, G replaced by T.
Molecular consequence: intron variant.
Genome position (GRCh38, 1-based): chr11:31,305,606, C>A on the plus strand (G>T on the coding strand, the complement: DCDC1 is on the minus strand). VCF-style: chr11-31305606-C-A. GRCh37 (hg19) VCF-style: chr11-31327153-C-A.
Other names: c.754+9G>T (NM_001367979.1, NM_181807.4, NM_181807.3).
Identifiers: ClinVar variation 2039651 (VCV002039651.6), dbSNP rs199811580, ClinGen allele CA5932551.
Genomic context (GRCh38, chr11:31,305,606, plus strand): 5'-ATTTTTTAATTGCACCCCTTAAGCAATTCAGTATGTGTGGGGGTAGGGTATTTTTTAGAT[C>A]TTTTTTACCTTTAATTTTTTTGAATGGATTTAAAAAGGGCTCTCCCGTTGAAACATAAAC-3'

ClinVar aggregate classification (germline): Likely benign. Review status: criteria provided, single submitter (1 of 4 stars). 2 submissions from 2 submitters: Likely benign (1). 1 of the submissions does not count toward it. Last evaluated 2022-09-03.

Conditions:
DCDC1-related disorder. Also called: DCDC1-related condition.

Allele frequency attached by ClinVar (database versions not stated): ESP Exome Variant Server 0.00023; 1000 Genomes Project 30x 0.00031; 1000 Genomes Project 0.00020; gnomAD 0.00036; ExAC 0.00022; TOPMed 0.00043.
gnomAD v4.1: 1,058 of 1,612,346 alleles (0.066%); highest among the groups gnomAD compares: Non-Finnish European, 0.082%; 1 homozygote.

Submissions (2):

Labcorp Genetics (formerly Invitae), Labcorp
Classification: Likely benign. Last evaluated: 2022-09-03. Review status: criteria provided, single submitter. Criteria: Invitae Variant Classification Sherloc (09022015). Collection method: clinical testing. Allele origin: germline.

PreventionGenetics, part of Exact Sciences
Classification: Likely benign for DCDC1-related condition. Last evaluated: 2019-07-11. Review status: no assertion criteria provided. Collection method: clinical testing. Allele origin: germline. Not counted in ClinVar's aggregate classification.
Comment: This variant is classified as likely benign based on ACMG/AMP sequence variant interpretation guidelines (Richards et al. 2015 PMID: 25741868, with internal and published modifications).